The following is an entry in ClinVar:

ClinVar aggregate classification (germline): Uncertain significance (1 of 4 stars; one submission).

Submission:

GeneDx
Classification: Uncertain significance. Last evaluated: 2025-03-18. Review status: criteria provided, single submitter. Criteria: GeneDx Variant Classification Process June 2021. Collection method: clinical testing. Allele origin: germline. Affected: yes.
Comment: Not observed at significant frequency in large population cohorts (gnomAD); In silico analysis supports that this missense variant has a deleterious effect on protein structure/function; Has not been previously published as pathogenic or benign to our knowledge

NM_001287491.2(TET3):c.4949A>T (p.Asn1650Ile)

Gene: TET3 (tet methylcytosine dioxygenase 3; plus strand). Cytogenetic location: 2p13.1.
Variant type: single nucleotide variant.
Coding change: c.4949A>T on transcript NM_001287491.2 (MANE Select); coding-DNA position 4949, A replaced by T.
Protein change: p.Asn1650Ile; replaces asparagine 1650 with isoleucine.
Molecular consequence: missense variant.
Genome position (GRCh38, 1-based): chr2:74,101,737, A>T. VCF-style: chr2-74101737-A-T. GRCh37 (hg19) VCF-style: chr2-74328864-A-T.
Other names: c.4670A>T, p.Asn1557Ile (NM_001366022.1); short protein forms N1557I, N1650I.
Identifiers: ClinVar variation 4086730 (VCV004086730.1).